The following is an entry in ClinVar:

NM_000059.4(BRCA2):c.3617G>A (p.Gly1206Asp)

Gene: BRCA2 (BRCA2 DNA repair associated; plus strand). Cytogenetic location: 13q13.1.
Variant type: single nucleotide variant.
Coding change: c.3617G>A on transcript NM_000059.4 (MANE Select); coding-DNA position 3617, G replaced by A.
Protein change: p.Gly1206Asp; replaces glycine 1206 with aspartic acid.
Molecular consequence: missense variant.
Genome position (GRCh38, 1-based): chr13:32,337,972, G>A. VCF-style: chr13-32337972-G-A. GRCh37 (hg19) VCF-style: chr13-32912109-G-A.
Other names: short protein forms G1206D.
Identifiers: ClinVar variation 619803 (VCV000619803.10), dbSNP rs1410689747, ClinGen allele CA387777566.

ClinVar aggregate classification (germline): Conflicting classifications of pathogenicity. Review status: criteria provided, conflicting classifications (1 of 4 stars). 5 submissions from 5 submitters: Uncertain significance (4); Likely benign (1). Last evaluated 2024-06-11.

Conditions:
Hereditary cancer-predisposing syndrome. Also called: Tumor predisposition; Hereditary Cancer Syndrome; Neoplastic Syndromes, Hereditary; Hereditary neoplastic syndrome. Identifiers: Orphanet 140162, MedGen C0027672, MeSH D009386, MONDO:0015356.
BRCA2-related cancer predisposition. Identifiers: MedGen CN377758, MONDO:0700269.
Hereditary breast ovarian cancer syndrome. Also called: BRCA1- and BRCA2-Associated Hereditary Breast and Ovarian Cancer; Hereditary breast and ovarian cancer syndrome; Hereditary breast and ovarian cancer; Hereditary breast and ovarian cancer syndrome (HBOC); Hereditary breast and/or ovarian cancer syndrome; Breast and ovarian cancer. Identifiers: Orphanet 145, MedGen C0677776, MeSH D061325, MONDO:0003582. Disease mechanism: loss of function.

gnomAD v4.1: 1 of 1,613,710 alleles (0.000062%); highest among the groups gnomAD compares: Non-Finnish European, 0.000085%; no homozygotes.

Submissions (5):

All of Us Research Program, National Institutes of Health
Classification: Uncertain significance for BRCA2-related cancer predisposition. Last evaluated: 2024-06-11. Review status: criteria provided, single submitter. Criteria: ACMG Guidelines, 2015. Collection method: clinical testing. Allele origin: germline. Inheritance: Autosomal dominant inheritance. Observed: 1 variant allele, 1 heterozygote.
Comment: This missense variant replaces glycine with aspartic acid at codon 1206 of the BRCA2 protein. Computational prediction suggests that this variant may not impact protein structure and function (internally defined REVEL score threshold <= 0.5, PMID: 27666373). To our knowledge, functional studies have not been reported for this variant. This variant has not been reported in individuals affected with hereditary cancer in the literature. This variant has not been identified in the general population by the Genome Aggregation Database (gnomAD). The available evidence is insufficient to determine the role of this variant in disease conclusively. Therefore, this variant is classified as a Variant of Uncertain Significance.

This study involves interpretation of variants in research participants for the purpose of population health screening. Participant phenotype was not available at the time of variant classification. Additional details can be found in publication PMID: 35346344, PMCID: PMC8962531

Labcorp Genetics (formerly Invitae), Labcorp
Classification: Uncertain significance for Hereditary breast ovarian cancer syndrome. Last evaluated: 2023-11-09. Review status: criteria provided, single submitter. Criteria: Invitae Variant Classification Sherloc (09022015). Collection method: clinical testing. Allele origin: germline.
Comment: This sequence change replaces glycine, which is neutral and non-polar, with aspartic acid, which is acidic and polar, at codon 1206 of the BRCA2 protein (p.Gly1206Asp). This variant is not present in population databases (gnomAD no frequency). This variant has not been reported in the literature in individuals affected with BRCA2-related conditions. ClinVar contains an entry for this variant (Variation ID: 619803). Advanced modeling of protein sequence and biophysical properties (such as structural, functional, and spatial information, amino acid conservation, physicochemical variation, residue mobility, and thermodynamic stability) performed at Invitae indicates that this missense variant is not expected to disrupt BRCA2 protein function with a negative predictive value of 95%. In summary, the available evidence is currently insufficient to determine the role of this variant in disease. Therefore, it has been classified as a Variant of Uncertain Significance.

University of Washington Department of Laboratory Medicine, University of Washington
Classification: Likely benign for Hereditary cancer-predisposing syndrome. Last evaluated: 2023-03-23. Review status: criteria provided, single submitter. Criteria: Dines et al. (Genet Med. 2020). Collection method: curation. Allele origin: germline.
Comment: Missense variant in a coldspot region where missense variants are very unlikely to be pathogenic (PMID:31911673).

BRCA2 exon 11 coldspot. Reclassification based on statistical prior probability.

Quest Diagnostics Nichols Institute San Juan Capistrano
Classification: Uncertain significance. Last evaluated: 2021-04-27. Review status: criteria provided, single submitter. Criteria: Quest Diagnostics criteria. Collection method: clinical testing. Allele origin: unknown.

GeneDx
Classification: Uncertain significance. Last evaluated: 2019-04-19. Review status: criteria provided, single submitter. Criteria: GeneDx Variant Classification Process June 2021. Collection method: clinical testing. Allele origin: germline. Affected: yes.
Comment: Not observed in large population cohorts (Lek et al., 2016); Has not been previously published as pathogenic or benign to our knowledge; This variant is associated with the following publications: (PMID: 30181556)